The following is an entry in ClinVar:

NM_000135.4(FANCA):c.745A>G (p.Lys249Glu)

Gene: FANCA (FA complementation group A; minus strand). Cytogenetic location: 16q24.3.
Variant type: single nucleotide variant.
Coding change: c.745A>G on transcript NM_000135.4 (MANE Select); coding-DNA position 745, A replaced by G.
Protein change: p.Lys249Glu; replaces lysine 249 with glutamic acid.
Molecular consequence: missense variant.
Genome position (GRCh38, 1-based): chr16:89,803,306, T>C on the plus strand (A>G on the coding strand, the complement: FANCA is on the minus strand). VCF-style: chr16-89803306-T-C. GRCh37 (hg19) VCF-style: chr16-89869714-T-C.
Other names: c.745A>G, p.Lys249Glu (NM_001018112.3, NM_001286167.3); c.649A>G, p.Lys217Glu (NM_001351830.2); short protein forms K249E, K217E.
Identifiers: ClinVar variation 2161416 (VCV002161416.5), dbSNP rs1315431949, ClinGen allele CA397476238.

ClinVar aggregate classification (germline): Uncertain significance. Review status: criteria provided, multiple submitters, no conflicts (2 of 4 stars). 2 submissions from 2 submitters: Uncertain significance (2). Last evaluated 2024-12-17.

Conditions:
Fanconi anemia (FA). Also called: Fanconi's anemia. Identifiers: Orphanet 84, MedGen C0015625, MeSH D005199, MONDO:0019391.
Inborn genetic diseases. Identifiers: MedGen C0950123, MeSH D030342.

Allele frequency attached by ClinVar (database versions not stated): gnomAD exomes below 0.00001; gnomAD 0.00001; TOPMed 0.00001.
gnomAD v4.1: 4 of 1,614,086 alleles (0.00025%); highest among the groups gnomAD compares: Non-Finnish European, 0.00025%; no homozygotes.

Submissions (2):

Ambry Genetics
Classification: Uncertain significance for Inborn genetic diseases. Last evaluated: 2024-12-17. Review status: criteria provided, single submitter. Criteria: Ambry Variant Classification Scheme 2023. Collection method: clinical testing. Allele origin: germline.
Comment: The p.K249E variant (also known as c.745A>G), located in coding exon 8 of the FANCA gene, results from an A to G substitution at nucleotide position 745. The lysine at codon 249 is replaced by glutamic acid, an amino acid with similar properties. This amino acid position is conserved. In addition, this alteration is predicted to be tolerated by in silico analysis. Based on the available evidence, the clinical significance of this variant remains unclear.

Labcorp Genetics (formerly Invitae), Labcorp
Classification: Uncertain significance for Fanconi anemia. Last evaluated: 2022-02-10. Review status: criteria provided, single submitter. Criteria: Invitae Variant Classification Sherloc (09022015). Collection method: clinical testing. Allele origin: germline.
Comment: This variant is present in population databases (no rsID available, gnomAD 0.002%). This sequence change replaces lysine, which is basic and polar, with glutamic acid, which is acidic and polar, at codon 249 of the FANCA protein (p.Lys249Glu). In summary, the available evidence is currently insufficient to determine the role of this variant in disease. Therefore, it has been classified as a Variant of Uncertain Significance. Advanced modeling of protein sequence and biophysical properties (such as structural, functional, and spatial information, amino acid conservation, physicochemical variation, residue mobility, and thermodynamic stability) performed at Invitae indicates that this missense variant is not expected to disrupt FANCA protein function. This variant has not been reported in the literature in individuals affected with FANCA-related conditions.